The following is an entry in ClinVar:

ClinVar aggregate classification (germline): Uncertain significance (1 of 4 stars; one submission).

Conditions:
Holoprosencephaly 5 (HPE5). Identifiers: Orphanet 2162, MedGen C1864827, MONDO:0012322, OMIM 609637.

Submission:

Labcorp Genetics (formerly Invitae), Labcorp
Classification: Uncertain significance for Holoprosencephaly 5. Last evaluated: 2025-01-06. Review status: criteria provided, single submitter. Criteria: Invitae Variant Classification Sherloc (09022015). Collection method: clinical testing. Allele origin: germline.
Comment: This sequence change replaces valine, which is neutral and non-polar, with alanine, which is neutral and non-polar, at codon 14 of the ZIC2 protein (p.Val14Ala). This variant is not present in population databases (gnomAD no frequency). This variant has not been reported in the literature in individuals affected with ZIC2-related conditions. ClinVar contains an entry for this variant (Variation ID: 1360898). An algorithm developed to predict the effect of missense changes on protein structure and function (PolyPhen-2) suggests that this variant is likely to be disruptive. In summary, the available evidence is currently insufficient to determine the role of this variant in disease. Therefore, it has been classified as a Variant of Uncertain Significance.

NM_007129.5(ZIC2):c.41T>C (p.Val14Ala)

Gene: ZIC2 (Zic family zinc finger 2; plus strand). Cytogenetic location: 13q32.3.
Variant type: single nucleotide variant.
Coding change: c.41T>C on transcript NM_007129.5 (MANE Select); coding-DNA position 41, T replaced by C.
Protein change: p.Val14Ala; replaces valine 14 with alanine.
Molecular consequence: missense variant.
Genome position (GRCh38, 1-based): chr13:99,982,105, T>C. VCF-style: chr13-99982105-T-C. GRCh37 (hg19) VCF-style: chr13-100634359-T-C.
Other names: short protein forms V14A.
Identifiers: ClinVar variation 1360898 (VCV001360898.8), dbSNP rs2152162162, ClinGen allele CA388636428.